The following is an entry in ClinVar:

ClinVar aggregate classification (germline): Uncertain significance (1 of 4 stars; one submission).

Conditions:
Hypertrophic cardiomyopathy. Also called: HYPERTROPHIC MYOCARDIOPATHY. Identifiers: Orphanet 217569, MedGen C0007194, MeSH D002312, MONDO:0005045, HP:0001639.

Allele frequency attached by ClinVar (database versions not stated): gnomAD below 0.00001 and 0.00001; gnomAD exomes 0.00001 and 0.00002; ExAC 0.00003.
gnomAD v4.1: 15 of 1,613,686 alleles (0.00093%); highest among the groups gnomAD compares: South Asian, 0.016%; no homozygotes.

Submission:

Labcorp Genetics (formerly Invitae), Labcorp
Classification: Uncertain significance for Hypertrophic cardiomyopathy. Last evaluated: 2024-09-22. Review status: criteria provided, single submitter. Criteria: Invitae Variant Classification Sherloc (09022015). Collection method: clinical testing. Allele origin: germline.
Comment: This sequence change replaces proline, which is neutral and non-polar, with serine, which is neutral and polar, at codon 1601 of the MYOM1 protein (p.Pro1601Ser). This variant is present in population databases (rs765962328, gnomAD 0.02%). This variant has not been reported in the literature in individuals affected with MYOM1-related conditions. ClinVar contains an entry for this variant (Variation ID: 836055). Invitae Evidence Modeling of protein sequence and biophysical properties (such as structural, functional, and spatial information, amino acid conservation, physicochemical variation, residue mobility, and thermodynamic stability) indicates that this missense variant is not expected to disrupt MYOM1 protein function with a negative predictive value of 80%. In summary, the available evidence is currently insufficient to determine the role of this variant in disease. Therefore, it has been classified as a Variant of Uncertain Significance.

NM_003803.4(MYOM1):c.4801C>T (p.Pro1601Ser)

Gene: MYOM1 (myomesin 1; minus strand). Cytogenetic location: 18p11.31.
Variant type: single nucleotide variant.
Coding change: c.4801C>T on transcript NM_003803.4 (MANE Select); coding-DNA position 4801, C replaced by T.
Protein change: p.Pro1601Ser; replaces proline 1601 with serine.
Molecular consequence: missense variant.
Genome position (GRCh38, 1-based): chr18:3,067,519, G>A on the plus strand (C>T on the coding strand, the complement: MYOM1 is on the minus strand). VCF-style: chr18-3067519-G-A. GRCh37 (hg19) VCF-style: chr18-3067517-G-A.
Other names: c.4513C>T, p.Pro1505Ser (NM_019856.2); short protein forms P1505S, P1601S.
Identifiers: ClinVar variation 836055 (VCV000836055.9), dbSNP rs765962328, ClinGen allele CA8873758.